The following is an entry in ClinVar:

ClinVar aggregate classification (germline): Benign. Review status: criteria provided, multiple submitters, no conflicts (2 of 4 stars). 5 submissions from 5 submitters: Benign (4). 1 of the submissions does not count toward it. Last evaluated 2026-01-17.

Conditions:
PKP1-related disorder. Also called: PKP1-related condition.
Epidermolysis bullosa simplex due to plakophilin deficiency. Also called: MCGRATH SYNDROME. Identifiers: Orphanet 158668, MedGen C1858302, MONDO:0011472, OMIM 604536.

Allele frequency attached by ClinVar (database versions not stated): gnomAD exomes 0.00227 and 0.00600; ExAC 0.00987; gnomAD 0.02419; 1000 Genomes Project 0.02496; TOPMed 0.02515; ESP Exome Variant Server 0.02615; 1000 Genomes Project 30x 0.02686.
gnomAD v4.1: 7,006 of 1,606,386 alleles (0.44%); highest among the groups gnomAD compares: African/African-American, 8%; 244 homozygotes.

Submissions (5):

Labcorp Genetics (formerly Invitae), Labcorp
Classification: Benign. Last evaluated: 2026-01-17. Review status: criteria provided, single submitter. Criteria: Invitae Variant Classification Sherloc (09022015). Collection method: clinical testing. Allele origin: germline.

GeneDx
Classification: Benign. Last evaluated: 2021-05-04. Review status: criteria provided, single submitter. Criteria: GeneDx Variant Classification Process June 2021. Collection method: clinical testing. Allele origin: germline. Affected: yes.

Illumina Laboratory Services, Illumina
Classification: Benign for Epidermolysis bullosa simplex due to plakophilin deficiency. Last evaluated: 2018-01-12. Review status: criteria provided, single submitter. Criteria: ICSL Variant Classification Criteria 13 December 2019. Collection method: clinical testing. Allele origin: germline.
Comment: This variant was observed in the ICSL laboratory as part of a predisposition screen in an ostensibly healthy population. It had not been previously curated by ICSL or reported in the Human Gene Mutation Database (HGMD: prior to June 1st, 2018), and was therefore a candidate for classification through an automated scoring system. Utilizing variant allele frequency, disease prevalence and penetrance estimates, and inheritance mode, an automated score was calculated to assess if this variant is too frequent to cause the disease. Based on the score and internal cut-off values, a variant classified as benign is not then subjected to further curation. The score for this variant resulted in a classification of benign for this disease.

Breakthrough Genomics
Classification: Benign. Review status: criteria provided, single submitter. Criteria: ACMG Guidelines, 2015. Collection method: not provided. Allele origin: germline. Inheritance: Autosomal recessive inheritance. Affected: yes.

PreventionGenetics, part of Exact Sciences
Classification: Benign for PKP1-related condition. Last evaluated: 2020-01-21. Review status: no assertion criteria provided. Collection method: clinical testing. Allele origin: germline. Not counted in ClinVar's aggregate classification.
Comment: This variant is classified as benign based on ACMG/AMP sequence variant interpretation guidelines (Richards et al. 2015 PMID: 25741868, with internal and published modifications).

NM_001005337.3(PKP1):c.347G>A (p.Arg116His)

Gene: PKP1 (plakophilin 1; plus strand). Cytogenetic location: 1q32.1.
Variant type: single nucleotide variant.
Coding change: c.347G>A on transcript NM_001005337.3 (MANE Select); coding-DNA position 347, G replaced by A.
Protein change: p.Arg116His; replaces arginine 116 with histidine.
Molecular consequence: missense variant.
Genome position (GRCh38, 1-based): chr1:201,313,206, G>A. VCF-style: chr1-201313206-G-A. GRCh37 (hg19) VCF-style: chr1-201282334-G-A.
Other names: c.347G>A, p.Arg116His (NM_000299.4); short protein forms R116H.
Identifiers: ClinVar variation 294804 (VCV000294804.18), dbSNP rs34626929, ClinGen allele CA1324057.
Genomic context (GRCh38, chr1:201,313,206, plus strand): 5'-TTCTCCCTTTCCCTGGCCAGATCTACAATGGAACCCTCAAGCGGGAGCCTGACAACAGGC[G>A]CTTCAGCTCCTACAGCCAGATGGAGAACTGGAGCCGGCACTACCCCCGGGGCAGCTGTAA-3'
Protein context (NP_001005337.1, residues 106-126): GTLKREPDNR[Arg116His]FSSYSQMENW